The following is an entry in ClinVar:

ClinVar aggregate classification (germline): Uncertain significance. Review status: criteria provided, multiple submitters, no conflicts (2 of 4 stars). 2 submissions from 2 submitters: Uncertain significance (2). Last evaluated 2023-07-06.

gnomAD v4.1: 1 of 1,611,688 alleles (0.000062%); highest among the groups gnomAD compares: African/African-American, 0.0013%; no homozygotes.

Submissions (2):

Blueprint Genetics
Classification: Uncertain significance. Last evaluated: 2023-07-06. Review status: criteria provided, single submitter. Criteria: ACMG Guidelines, 2015. Collection method: clinical testing. Allele origin: germline.

Labcorp Genetics (formerly Invitae), Labcorp
Classification: Uncertain significance. Last evaluated: 2022-02-01. Review status: criteria provided, single submitter. Criteria: Invitae Variant Classification Sherloc (09022015). Collection method: clinical testing. Allele origin: germline.
Comment: In summary, the available evidence is currently insufficient to determine the role of this variant in disease. Therefore, it has been classified as a Variant of Uncertain Significance. Advanced modeling of protein sequence and biophysical properties (such as structural, functional, and spatial information, amino acid conservation, physicochemical variation, residue mobility, and thermodynamic stability) performed at Invitae indicates that this missense variant is expected to disrupt MYO7A protein function. This variant has not been reported in the literature in individuals affected with MYO7A-related conditions. This variant is not present in population databases (gnomAD no frequency). This sequence change replaces leucine, which is neutral and non-polar, with valine, which is neutral and non-polar, at codon 1601 of the MYO7A protein (p.Leu1601Val).

NM_000260.4(MYO7A):c.4801C>G (p.Leu1601Val)

Gene: MYO7A (myosin VIIA; plus strand). Cytogenetic location: 11q13.5.
Variant type: single nucleotide variant.
Coding change: c.4801C>G on transcript NM_000260.4 (MANE Select); coding-DNA position 4801, C replaced by G.
Protein change: p.Leu1601Val; replaces leucine 1601 with valine.
Molecular consequence: missense variant.
Genome position (GRCh38, 1-based): chr11:77,199,767, C>G. VCF-style: chr11-77199767-C-G. GRCh37 (hg19) VCF-style: chr11-76910812-C-G.
Other names: c.4687C>G, p.Leu1563Val (NM_001127180.2); c.4654C>G, p.Leu1552Val (NM_001369365.1); short protein forms L1552V, L1601V, L1563V.
Identifiers: ClinVar variation 1476226 (VCV001476226.7), dbSNP rs758832749, ClinGen allele CA381950960.